The following is an entry in ClinVar:

ClinVar aggregate classification (germline): Uncertain significance (1 of 4 stars; one submission).

Conditions:
Chédiak-Higashi syndrome (CHS). Also called: Chediak-Higashi Syndrome. Identifiers: Orphanet 167, MedGen C0007965, MONDO:0008963, OMIM 214500.

Allele frequency attached by ClinVar (database versions not stated): TOPMed 0.00001; ExAC 0.00002; gnomAD exomes 0.00003.
gnomAD v4.1: 47 of 1,603,486 alleles (0.0029%); highest among the groups gnomAD compares: Non-Finnish European, 0.0039%; no homozygotes.

Submission:

Labcorp Genetics (formerly Invitae), Labcorp
Classification: Uncertain significance for Chédiak-Higashi syndrome. Last evaluated: 2021-09-01. Review status: criteria provided, single submitter. Criteria: Invitae Variant Classification Sherloc (09022015). Collection method: clinical testing. Allele origin: germline.
Comment: This sequence change replaces alanine with glycine at codon 93 of the LYST protein (p.Ala93Gly). The alanine residue is moderately conserved and there is a small physicochemical difference between alanine and glycine. This variant is present in population databases (rs771549954, ExAC 0.003%). This variant has not been reported in the literature in individuals affected with LYST-related conditions. Algorithms developed to predict the effect of missense changes on protein structure and function are either unavailable or do not agree on the potential impact of this missense change (SIFT: "Deleterious"; PolyPhen-2: "Probably Damaging"; Align-GVGD: "Class C0"). In summary, the available evidence is currently insufficient to determine the role of this variant in disease. Therefore, it has been classified as a Variant of Uncertain Significance.

NM_000081.4(LYST):c.278C>G (p.Ala93Gly)

Gene: LYST (lysosomal trafficking regulator; minus strand). Cytogenetic location: 1q42.3.
Variant type: single nucleotide variant.
Coding change: c.278C>G on transcript NM_000081.4 (MANE Select); coding-DNA position 278, C replaced by G.
Protein change: p.Ala93Gly; replaces alanine 93 with glycine.
Molecular consequence: missense variant.
Genome position (GRCh38, 1-based): chr1:235,812,976, G>C on the plus strand (C>G on the coding strand, the complement: LYST is on the minus strand). VCF-style: chr1-235812976-G-C. GRCh37 (hg19) VCF-style: chr1-235976276-G-C.
Other names: c.278C>G, p.Ala93Gly (NM_001301365.1); short protein forms A93G.
Identifiers: ClinVar variation 663130 (VCV000663130.8), dbSNP rs771549954, ClinGen allele CA1467676.
Genomic context (GRCh38, chr1:235,812,976, plus strand): 5'-ACTTTTCTATGAAATTTTGATAACACAAGTGATATGATAAAGGGAAAAAGCATACCTGTT[G>C]CCTTTTCTTCTTGGACAGGTATCTTCCATACCAGTGGAAGGAGAGACAGAAGAAGAGTCA-3'
Protein context (NP_000072.2, residues 83-103): VWKIPVQEEK[Ala93Gly]TDFNLPLSAD